The following is an entry in ClinVar:

ClinVar aggregate classification (germline): Uncertain significance (1 of 4 stars; one submission).

Conditions:
Acrocallosal syndrome (ACLS). Also called: Schinzel syndrome 1; Absence of corpus callosum with unusual facial appearance, mental deficiency, duplication of the halluces and polydactyly; HALLUX DUPLICATION, POSTAXIAL POLYDACTYLY, AND ABSENCE OF CORPUS CALLOSUM. Identifiers: Orphanet 36, MedGen C0796147, MONDO:0008708, OMIM 200990.

Allele frequency attached by ClinVar (database versions not stated): gnomAD 0.00001.
gnomAD v4.1: 1 of 1,612,914 alleles (0.000062%); highest among the groups gnomAD compares: Non-Finnish European, 0.000085%; no homozygotes.

Submission:

Labcorp Genetics (formerly Invitae), Labcorp
Classification: Uncertain significance for Acrocallosal syndrome. Last evaluated: 2021-11-24. Review status: criteria provided, single submitter. Criteria: Invitae Variant Classification Sherloc (09022015). Collection method: clinical testing. Allele origin: germline.
Comment: This variant is not present in population databases (gnomAD no frequency). In summary, the available evidence is currently insufficient to determine the role of this variant in disease. Therefore, it has been classified as a Variant of Uncertain Significance. Algorithms developed to predict the effect of missense changes on protein structure and function (SIFT, PolyPhen-2, Align-GVGD) all suggest that this variant is likely to be tolerated. This variant has not been reported in the literature in individuals affected with KIF7-related conditions. This sequence change replaces leucine, which is neutral and non-polar, with valine, which is neutral and non-polar, at codon 1244 of the KIF7 protein (p.Leu1244Val).

NM_198525.3(KIF7):c.3730C>G (p.Leu1244Val)

Gene: KIF7 (kinesin family member 7; minus strand). Cytogenetic location: 15q26.1.
Variant type: single nucleotide variant.
Coding change: c.3730C>G on transcript NM_198525.3 (MANE Select); coding-DNA position 3730, C replaced by G.
Protein change: p.Leu1244Val; replaces leucine 1244 with valine.
Molecular consequence: missense variant.
Genome position (GRCh38, 1-based): chr15:89,628,721, G>C on the plus strand (C>G on the coding strand, the complement: KIF7 is on the minus strand). VCF-style: chr15-89628721-G-C. GRCh37 (hg19) VCF-style: chr15-90171952-G-C.
Other names: short protein forms L1244V.
Identifiers: ClinVar variation 1490831 (VCV001490831.6), dbSNP rs1963594414, ClinGen allele CA393753477.